The following is an entry in ClinVar:

ClinVar aggregate classification (germline): Uncertain significance (1 of 4 stars; one submission).

Conditions:
Singleton-Merten syndrome 1 (SGMRT1). Also called: Widened medullary cavities of bone, aortic calcification, abnormal dentition, and muscular weakness; Syndrome of widened medullary cavities of the metacarpals and phalanges, aortic calcification and abnormal dentition. Identifiers: Orphanet 85191, MedGen C4225427, MONDO:0024535, OMIM 182250.
Aicardi-Goutieres syndrome 7 (AGS7). Identifiers: Orphanet 51, MedGen C3888244, MONDO:0014367, OMIM 615846.

Submission:

Labcorp Genetics (formerly Invitae), Labcorp
Classification: Uncertain significance for Aicardi-Goutieres syndrome 7; Singleton-Merten syndrome 1. Last evaluated: 2024-08-19. Review status: criteria provided, single submitter. Criteria: Invitae Variant Classification Sherloc (09022015). Collection method: clinical testing. Allele origin: germline.
Comment: This sequence change falls in intron 12 of the IFIH1 gene. It does not directly change the encoded amino acid sequence of the IFIH1 protein. It affects a nucleotide within the consensus splice site. This variant is not present in population databases (gnomAD no frequency). This variant has not been reported in the literature in individuals affected with IFIH1-related conditions. Variants that disrupt the consensus splice site are a relatively common cause of aberrant splicing (PMID: 17576681, 9536098). Algorithms developed to predict the effect of sequence changes on RNA splicing suggest that this variant is not likely to affect RNA splicing. In summary, the available evidence is currently insufficient to determine the role of this variant in disease. Therefore, it has been classified as a Variant of Uncertain Significance.

Literature cited by the submitters: PubMed 17576681; PubMed 9536098.

NM_022168.4(IFIH1):c.2454+6T>G

Gene: IFIH1 (interferon induced with helicase C domain 1; minus strand). Cytogenetic location: 2q24.2.
Variant type: single nucleotide variant.
Coding change: c.2454+6T>G on transcript NM_022168.4 (MANE Select); 6 bases into the intron after coding-DNA position 2454, T replaced by G.
Molecular consequence: intron variant.
Genome position (GRCh38, 1-based): chr2:162,273,789, A>C on the plus strand (T>G on the coding strand, the complement: IFIH1 is on the minus strand). VCF-style: chr2-162273789-A-C. GRCh37 (hg19) VCF-style: chr2-163130299-A-C.
Identifiers: ClinVar variation 2946604 (VCV002946604.3), dbSNP rs6748554, ClinGen allele CA2740095765.
Genomic context (GRCh38, chr2:162,273,789, plus strand): 5'-AAAGCAATTAAAATAGGAACACAACAAATAAAAATTAACATAGTAAGTAGAGGTATTTGA[A>C]TGTACCTGGACCATGGCTATTTCATTGGTGACGAGACCATAACGGATAACAATGTTACAT-3'